The following is an entry in ClinVar:

ClinVar aggregate classification (germline): Uncertain significance (1 of 4 stars; one submission).

Conditions:
Childhood apraxia of speech (SPCH1). Also called: SPEECH AND LANGUAGE DISORDER WITH OROFACIAL DYSPRAXIA; FOXP2-Related Speech and Language Disorder; Speech language disorder; DEVELOPMENTAL VERBAL DYSPRAXIA. Identifiers: Orphanet 209908, MedGen C0750927, MONDO:0011184, OMIM 602081.

Submission:

OLLIN Analises Genomicas, OLLIN
Classification: Uncertain significance for Childhood apraxia of speech. Last evaluated: 2026-08-06. Review status: criteria provided, single submitter. Criteria: ACMG Guidelines 2015 PMID 25741868. Collection method: clinical testing. Allele origin: germline.
Comment: This missense variant, located in exon 12 (of 17), is absent from gnomAD and ClinVar and has not been identified in the literature. In silico analysis predicts that this variant has a deleterious effect. According to the currently available evidence, this variant has been classified as uncertain significance (PM2_P, PP3_M).

NM_014491.4(FOXP2):c.1519T>C (p.Phe507Leu)

Gene: FOXP2 (forkhead box P2; plus strand). Cytogenetic location: 7q31.1.
Variant type: single nucleotide variant.
Coding change: c.1519T>C on transcript NM_014491.4 (MANE Select); coding-DNA position 1519, T replaced by C.
Protein change: p.Phe507Leu; replaces phenylalanine 507 with leucine.
Molecular consequence: missense variant. On other transcripts: non-coding transcript variant (2).
Genome position (GRCh38, 1-based): chr7:114,659,406, T>C. VCF-style: chr7-114659406-T-C. GRCh37 (hg19) VCF-style: chr7-114299461-T-C.
Other names: c.1516T>C, p.Phe506Leu (NM_001172766.3); c.1594T>C, p.Phe532Leu (NM_148898.4); c.1570T>C, p.Phe524Leu (NM_148900.4); short protein forms F506L, F524L, F532L, F507L.
Identifiers: ClinVar variation 5002847 (VCV005002847.1).